The following is an entry in ClinVar:

NM_001953.5(TYMP):c.647-9C>G

Gene: TYMP (thymidine phosphorylase; minus strand). Cytogenetic location: 22q13.33.
Variant type: single nucleotide variant.
Coding change: c.647-9C>G on transcript NM_001953.5 (MANE Select); 9 bases into the intron before coding-DNA position 647, C replaced by G.
Molecular consequence: intron variant.
Genome position (GRCh38, 1-based): chr22:50,527,292, G>C on the plus strand (C>G on the coding strand, the complement: TYMP is on the minus strand). VCF-style: chr22-50527292-G-C. GRCh37 (hg19) VCF-style: chr22-50965721-G-C.
Other names: c.647-9C>G (LRG_727t2, LRG_727t1, NM_001257989.1 and 3 more transcripts).
Identifiers: ClinVar variation 215331 (VCV000215331.12), dbSNP rs549324764, ClinGen allele CA321575.
Genomic context (GRCh38, chr22:50,527,292, plus strand): 5'-TCCACCACCAGAGCGGACAGCCCCTCCACGAGTTTCTTACTGAGAATGGAGGCTTTGGGG[G>C]AGGCAGAGGAGGTTGGAGACAATGGAGAACCTGGAGCTTCTTGGGAGAGTTCGGGGATGC-3'

ClinVar aggregate classification (germline): Conflicting classifications of pathogenicity. Review status: criteria provided, conflicting classifications (1 of 4 stars). 5 submissions from 5 submitters: Uncertain significance (3); Likely benign (1). 1 of the submissions does not count toward it. Last evaluated 2026-01-24.

Conditions:
Mitochondrial neurogastrointestinal encephalomyopathy. Also called: Mitochondrial neurogastrointestinal encephalopathy syndrome; MNGIE syndrome; Thymidine phosphorylase deficiency. Identifiers: Orphanet 298, MedGen C0872218, MONDO:0017575.
Mitochondrial DNA depletion syndrome 1. Also called: Mitochondrial Neurogastrointestinal Encephalopathy Disease; MITOCHONDRIAL NEUROGASTROINTESTINAL ENCEPHALOPATHY SYNDROME, TYMP-RELATED; MNGIE, TYMP-RELATED; POLIP SYNDROME; POLYNEUROPATHY, OPHTHALMOPLEGIA, LEUKOENCEPHALOPATHY, AND INTESTINAL PSEUDOOBSTRUCTION; Mitochondrial neurogastrointestinal encephalomyopathy syndrome. Identifiers: Orphanet 298, MedGen C4551995, MONDO:0011283, OMIM 603041.

Allele frequency attached by ClinVar (database versions not stated): ExAC 0.00004; gnomAD 0.00004; TOPMed 0.00006.

Submissions (5):

Labcorp Genetics (formerly Invitae), Labcorp
Classification: Likely benign. Last evaluated: 2026-01-24. Review status: criteria provided, single submitter. Criteria: Invitae Variant Classification Sherloc (09022015). Collection method: clinical testing. Allele origin: germline.

Blueprint Genetics
Classification: Uncertain significance. Last evaluated: 2021-06-07. Review status: criteria provided, single submitter. Criteria: ACMG Guidelines, 2015. Collection method: clinical testing. Allele origin: germline.

Illumina Laboratory Services, Illumina
Classification: Uncertain significance for Mitochondrial DNA depletion syndrome 1. Last evaluated: 2018-01-13. Review status: criteria provided, single submitter. Criteria: ICSL Variant Classification Criteria 13 December 2019. Collection method: clinical testing. Allele origin: germline.

GeneDx
Classification: Uncertain significance. Last evaluated: 2015-10-14. Review status: criteria provided, single submitter. Criteria: GeneDx Variant Classification (06012015). Collection method: clinical testing. Allele origin: germline. Affected: yes.
Comment: The c.647-9 C>G sequence change has not been published as a mutation, nor has it been reported as a benign polymorphism to our knowledge. Mutations in the TYMP gene are associated with the autosomal recessive disorder mitochondrial DNA depletion syndrome 1 (MNGIE type). Multiple in-silico splice prediction models predict that c.647-9 C>G either destroys or damages the splice acceptor site in intron 5. However, the true affect in vivo is not known. Therefore, based on the currently available information, it is unclear whether c.647-9 C>G is a disease-causing mutation or a rare benign variant. The variant is found in MITONUC-MITOP panel(s).

Natera, Inc.
Classification: Uncertain significance for Mitochondrial neurogastrointestinal encephalomyopathy. Last evaluated: 2019-11-11. Review status: no assertion criteria provided. Collection method: clinical testing. Allele origin: germline. Not counted in ClinVar's aggregate classification.